The following is an entry in ClinVar:

NM_152564.5(VPS13B):c.2431A>C (p.Ile811Leu)

Gene: VPS13B (vacuolar protein sorting 13 homolog B; plus strand). Cytogenetic location: 8q22.2.
Variant type: single nucleotide variant.
Coding change: c.2431A>C on transcript NM_152564.5 (MANE Select); coding-DNA position 2431, A replaced by C.
Protein change: p.Ile811Leu; replaces isoleucine 811 with leucine.
Molecular consequence: missense variant.
Genome position (GRCh38, 1-based): chr8:99,192,973, A>C. VCF-style: chr8-99192973-A-C. GRCh37 (hg19) VCF-style: chr8-100205201-A-C.
Other names: c.2431A>C (NM_017890.3, NM_152564.4); c.2431A>C, p.Ile811Leu (NM_015243.3, NM_017890.5); short protein forms I811L.
Identifiers: ClinVar variation 1428942 (VCV001428942.7), dbSNP rs370570714, ClinGen allele CA4822905.
Genomic context (GRCh38, chr8:99,192,973, plus strand): 5'-TTTGAACTTCCAAATCTCACAATTCAAGCTACAAGAGCACAGACACTTCTCTTGCAAGCA[A>C]TATATCAAAGTTGGTCTCATCTTGGAAATGTCAGCTCTTCCGCAGTGATTGAAGCTTTGA-3'
Protein context (NP_689777.3, residues 801-821): TRAQTLLLQA[Ile811Leu]YQSWSHLGNV

ClinVar aggregate classification (germline): Uncertain significance. Review status: criteria provided, multiple submitters, no conflicts (2 of 4 stars). 4 submissions from 4 submitters: Uncertain significance (4). Last evaluated 2025-08-28.

Conditions:
Cohen syndrome (COH1). Also called: PEPPER SYNDROME; Cutis verticis gyrata, retinitis pigmentosa, and sensorineural deafness. Identifiers: Orphanet 193, MedGen C0265223, MONDO:0008999, OMIM 216550.
Inborn genetic diseases. Identifiers: MedGen C0950123, MeSH D030342.
VPS13B-related disorder. Also called: VPS13B-related condition.

Allele frequency attached by ClinVar (database versions not stated): ESP Exome Variant Server 0.00008.
gnomAD v4.1: 17 of 1,613,604 alleles (0.0011%); highest among the groups gnomAD compares: Middle Eastern, 0.016%; no homozygotes.

Submissions (4):

PreventionGenetics, part of Exact Sciences
Classification: Uncertain significance for VPS13B-related condition. Last evaluated: 2025-08-28. Review status: criteria provided, single submitter. Criteria: ACMG Guidelines, 2015. Collection method: clinical testing. Allele origin: germline.
Comment: The VPS13B c.2431A>C variant is predicted to result in the amino acid substitution p.Ile811Leu. To our knowledge, this variant has not been reported in the literature. This variant is reported in 0.00088% of alleles in individuals of European (Non-Finnish) descent in gnomAD. At this time, the clinical significance of this variant is uncertain due to the absence of conclusive functional and genetic evidence.

Ambry Genetics
Classification: Uncertain significance for Inborn genetic diseases. Last evaluated: 2025-07-13. Review status: criteria provided, single submitter. Criteria: Ambry Variant Classification Scheme 2023. Collection method: clinical testing. Allele origin: germline.

Labcorp Genetics (formerly Invitae), Labcorp
Classification: Uncertain significance for Cohen syndrome. Last evaluated: 2022-10-03. Review status: criteria provided, single submitter. Criteria: Invitae Variant Classification Sherloc (09022015). Collection method: clinical testing. Allele origin: germline.
Comment: This sequence change replaces isoleucine, which is neutral and non-polar, with leucine, which is neutral and non-polar, at codon 811 of the VPS13B protein (p.Ile811Leu). This variant is present in population databases (rs370570714, gnomAD 0.0009%). This variant has not been reported in the literature in individuals affected with VPS13B-related conditions. ClinVar contains an entry for this variant (Variation ID: 1428942). Advanced modeling of protein sequence and biophysical properties (such as structural, functional, and spatial information, amino acid conservation, physicochemical variation, residue mobility, and thermodynamic stability) has been performed at Invitae for this missense variant, however the output from this modeling did not meet the statistical confidence thresholds required to predict the impact of this variant on VPS13B protein function. In summary, the available evidence is currently insufficient to determine the role of this variant in disease. Therefore, it has been classified as a Variant of Uncertain Significance.

GeneDx
Classification: Uncertain significance. Last evaluated: 2022-08-31. Review status: criteria provided, single submitter. Criteria: GeneDx Variant Classification Process June 2021. Collection method: clinical testing. Allele origin: germline. Affected: yes.
Comment: Not observed at significant frequency in large population cohorts (gnomAD); Has not been previously published as pathogenic or benign to our knowledge